The following is an entry in ClinVar:

ClinVar aggregate classification (germline): Uncertain significance (1 of 4 stars; one submission).

Conditions:
Perlman syndrome (PRLMNS). Identifiers: Orphanet 2849, MedGen C0796113, MONDO:0009965, OMIM 267000.

Submission:

Labcorp Genetics (formerly Invitae), Labcorp
Classification: Uncertain significance for Perlman syndrome. Last evaluated: 2025-06-02. Review status: criteria provided, single submitter. Criteria: Invitae Variant Classification Sherloc (09022015). Collection method: clinical testing. Allele origin: germline.
Comment: This sequence change replaces glycine, which is neutral and non-polar, with glutamic acid, which is acidic and polar, at codon 66 of the DIS3L2 protein (p.Gly66Glu). This variant is not present in population databases (gnomAD no frequency). This variant has not been reported in the literature in individuals affected with DIS3L2-related conditions. ClinVar contains an entry for this variant (Variation ID: 2888037). Invitae Evidence Modeling of protein sequence and biophysical properties (such as structural, functional, and spatial information, amino acid conservation, physicochemical variation, residue mobility, and thermodynamic stability) indicates that this missense variant is not expected to disrupt DIS3L2 protein function with a negative predictive value of 80%. In summary, the available evidence is currently insufficient to determine the role of this variant in disease. Therefore, it has been classified as a Variant of Uncertain Significance.

NM_152383.5(DIS3L2):c.197G>A (p.Gly66Glu)

Gene: DIS3L2 (DIS3 like 3'-5' exoribonuclease 2; plus strand). Cytogenetic location: 2q37.1.
Variant type: single nucleotide variant.
Coding change: c.197G>A on transcript NM_152383.5 (MANE Select); coding-DNA position 197, G replaced by A.
Protein change: p.Gly66Glu; replaces glycine 66 with glutamic acid.
Molecular consequence: missense variant. On other transcripts: non-coding transcript variant (2).
Genome position (GRCh38, 1-based): chr2:232,015,658, G>A. VCF-style: chr2-232015658-G-A. GRCh37 (hg19) VCF-style: chr2-232880368-G-A.
Other names: c.197G>A, p.Gly66Glu (NM_001257281.2, NM_001257282.2); short protein forms G66E.
Identifiers: ClinVar variation 2888037 (VCV002888037.3), dbSNP rs866879001, ClinGen allele CA351152111.